The following is an entry in ClinVar:

NM_003680.4(YARS1):c.747C>T (p.Phe249=)

Genes: YARS1 (tyrosyl-tRNA synthetase 1; minus strand), LOC126805688 (BRD4-independent group 4 enhancer GRCh37_chr1:33251929-33253128; plus strand). Cytogenetic location: 1p35.1.
Variant type: single nucleotide variant.
Coding change: c.747C>T on transcript NM_003680.4 (MANE Select); coding-DNA position 747, C replaced by T.
Protein change: p.Phe249=; no amino-acid change (phenylalanine 249 retained).
Molecular consequence: synonymous variant.
Genome position (GRCh38, 1-based): chr1:32,787,013, G>A on the plus strand (C>T on the coding strand, the complement: YARS1 is on the minus strand). VCF-style: chr1-32787013-G-A. GRCh37 (hg19) VCF-style: chr1-33252614-G-A.
Identifiers: ClinVar variation 4535502 (VCV004535502.1).

ClinVar aggregate classification (germline): Likely benign (1 of 4 stars; one submission).

gnomAD v4.1: 1 of 1,614,202 alleles (0.000062%); no homozygotes.

Submission:

Women's Health and Genetics/Laboratory Corporation of America, LabCorp
Classification: Likely benign. Last evaluated: 2025-09-16. Review status: criteria provided, single submitter. Criteria: LabCorp Variant Classification Summary - May 2015. Collection method: clinical testing. Allele origin: germline.
Comment: Variant summary: YARS1 c.747C>T alters a conserved nucleotide resulting in a synonymous change. Consensus agreement among computation tools predict no significant impact on normal splicing. However, these predictions have yet to be confirmed by functional studies. The variant allele was found at a frequency of 4e-06 in 251452 control chromosomes. The available data on variant occurrences in the general population are insufficient to allow any conclusion about variant significance. To our knowledge, no occurrence of c.747C>T in individuals affected with YARS1-related conditions and no experimental evidence demonstrating its impact on protein function have been reported. No submitters have cited clinical-significance assessments for this variant to ClinVar. Based on the evidence outlined above, the variant was classified as likely benign.